The following is an entry in ClinVar:

NM_004100.5(EYA4):c.783G>A (p.Thr261=)

Gene: EYA4 (EYA transcriptional coactivator and phosphatase 4; plus strand). Cytogenetic location: 6q23.2.
Variant type: single nucleotide variant.
Coding change: c.783G>A on transcript NM_004100.5 (MANE Select); coding-DNA position 783, G replaced by A.
Protein change: p.Thr261=; no amino-acid change (threonine 261 retained).
Molecular consequence: synonymous variant.
Genome position (GRCh38, 1-based): chr6:133,464,837, G>A. VCF-style: chr6-133464837-G-A. GRCh37 (hg19) VCF-style: chr6-133785975-G-A.
Other names: p.Thr261=; c.621G>A, p.Thr207= (NM_001301012.2, NM_001370459.1); c.783G>A, p.Thr261= (NM_001301013.2, NM_172105.4); c.714G>A, p.Thr238= (NM_001370458.1, NM_172103.4).
Identifiers: ClinVar variation 44772 (VCV000044772.59), dbSNP rs17854076, ClinGen allele CA135009.

ClinVar aggregate classification (germline): Conflicting classifications of pathogenicity. Review status: criteria provided, conflicting classifications (1 of 4 stars). 13 submissions from 12 submitters: Uncertain significance (1); Benign (3); Likely benign (6). 3 of the submissions do not count toward it. Last evaluated 2026-09-01.

Conditions:
Cardiovascular phenotype. Identifiers: MedGen CN230736.
Autosomal dominant nonsyndromic hearing loss 10. Identifiers: Orphanet 90635, MedGen C1832476, MONDO:0011031, OMIM 601316.
Dilated cardiomyopathy 1J (CMD1J). Also called: CARDIOMYOPATHY, DILATED, WITH SENSORINEURAL HEARING LOSS, AUTOSOMAL DOMINANT. Identifiers: Orphanet 217622, MedGen C1854368, MONDO:0011541, OMIM 605362.

Allele frequency attached by ClinVar (database versions not stated): 1000 Genomes Project 30x 0.00094; gnomAD exomes 0.00120 and 0.00153; gnomAD 0.00128 and 0.00136; ESP Exome Variant Server 0.00139; 1000 Genomes Project 0.00100; ExAC 0.00132; TOPMed 0.00118.
gnomAD v4.1: 2,405 of 1,610,040 alleles (0.15%); highest among the groups gnomAD compares: Non-Finnish European, 0.19%; 6 homozygotes.

Submissions (13):

CeGaT Center for Human Genetics Tuebingen
Classification: Likely benign. Last evaluated: 2026-09-01. Review status: criteria provided, single submitter. Criteria: CeGaT Center For Human Genetics Tuebingen Variant Classification Criteria Version 2. Collection method: clinical testing. Allele origin: germline. Affected: yes. Observed: 4 variant alleles.
Comment: EYA4: BP4, BP7, BS1

Labcorp Genetics (formerly Invitae), Labcorp
Classification: Benign for Dilated cardiomyopathy 1J. Last evaluated: 2026-02-01. Review status: criteria provided, single submitter. Criteria: Invitae Variant Classification Sherloc (09022015). Collection method: clinical testing. Allele origin: germline.

Mayo Clinic Laboratories, Mayo Clinic
Classification: Benign. Last evaluated: 2025-02-12. Review status: criteria provided, single submitter. Criteria: ACMG Guidelines, 2015. Collection method: clinical testing. Allele origin: germline. Observed: 1 variant allele.
Comment: BA1, BS2, BP4, BP7

Blueprint Genetics
Classification: Likely benign. Last evaluated: 2024-11-13. Review status: criteria provided, single submitter. Criteria: ACMG Guidelines, 2015. Collection method: clinical testing. Allele origin: germline.

Women's Health and Genetics/Laboratory Corporation of America, LabCorp
Classification: Benign. Last evaluated: 2021-01-28. Review status: criteria provided, single submitter. Criteria: LabCorp Variant Classification Summary - May 2015. Collection method: clinical testing. Allele origin: germline.

GeneDx
Classification: Likely benign. Last evaluated: 2020-12-15. Review status: criteria provided, single submitter. Criteria: GeneDx Variant Classification Process June 2021. Collection method: clinical testing. Allele origin: germline. Affected: yes.

Illumina Laboratory Services, Illumina
Classification: Likely benign for Autosomal dominant nonsyndromic hearing loss 10. Last evaluated: 2018-01-13. Review status: criteria provided, single submitter. Criteria: ICSL Variant Classification Criteria 13 December 2019. Collection method: clinical testing. Allele origin: germline.
Comment: This variant was observed in the ICSL laboratory as part of a predisposition screen in an ostensibly healthy population. It had not been previously curated by ICSL or reported in the Human Gene Mutation Database (HGMD: prior to June 1st, 2018), and was therefore a candidate for classification through an automated scoring system. Utilizing variant allele frequency, disease prevalence and penetrance estimates, and inheritance mode, an automated score was calculated to assess if this variant is too frequent to cause the disease. Based on the score and internal cut-off values, a variant classified as likely benign is not then subjected to further curation. The score for this variant resulted in a classification of likely benign for this disease.

Illumina Laboratory Services, Illumina
Classification: Uncertain significance for Dilated cardiomyopathy 1J. Last evaluated: 2018-01-13. Review status: criteria provided, single submitter. Criteria: ICSL Variant Classification Criteria 13 December 2019. Collection method: clinical testing. Allele origin: germline.

Laboratory for Molecular Medicine, Mass General Brigham Personalized Medicine
Classification: Likely benign. Last evaluated: 2017-10-03. Review status: criteria provided, single submitter. Criteria: LMM Criteria. Collection method: clinical testing. Allele origin: germline. Observed: 3 variant alleles.
Comment: p.Thr261Thr in exon 10 of EYA4: This variant is not expected to have clinical si gnificance because it does not alter an amino acid residue, is not located withi n the splice consensus sequence, and has been identified in 0.24% (306/126180) o f European chromosomes including 1 homozygote by the Genome Aggregation Database (gnomAD; dbSNP rs17854076).

Ambry Genetics
Classification: Likely benign for Cardiovascular phenotype. Last evaluated: 2016-07-15. Review status: criteria provided, single submitter. Criteria: Ambry Variant Classification Scheme 2023. Collection method: clinical testing. Allele origin: germline.

Clinical Genetics DNA and cytogenetics Diagnostics Lab, Erasmus MC, Erasmus Medical Center
Classification: Likely benign. Review status: no assertion criteria provided. Collection method: clinical testing. Allele origin: germline. Affected: yes. Study: VKGL Data-share Consensus. Not counted in ClinVar's aggregate classification.

Diagnostic Laboratory, Department of Genetics, University Medical Center Groningen
Classification: Likely benign. Review status: no assertion criteria provided. Collection method: clinical testing. Allele origin: germline. Affected: yes. Study: VKGL Data-share Consensus. Not counted in ClinVar's aggregate classification.

Genome Diagnostics Laboratory, University Medical Center Utrecht
Classification: Likely benign. Review status: no assertion criteria provided. Collection method: clinical testing. Allele origin: germline. Affected: yes. Study: VKGL Data-share Consensus. Not counted in ClinVar's aggregate classification.